The following continues an entry in ClinVar:

NM_000218.3(KCNQ1):c.683+5G>A

Gene: KCNQ1. ClinVar aggregate classification (germline): Conflicting classifications of pathogenicity. Pathogenic (5); Likely pathogenic (9); Uncertain significance (1).

Submissions 8 to 15 of 15:

All of Us Research Program, National Institutes of Health
Classification: Likely pathogenic for Long QT syndrome. Last evaluated: 2024-07-02. Review status: criteria provided, single submitter. Criteria: ACMG Guidelines, 2015. Collection method: clinical testing. Allele origin: germline. Inheritance: Autosomal dominant inheritance. Observed: 2 variant alleles, 2 heterozygotes.
Comment: This variant causes a G>A nucleotide substitution at the +5 position of intron 4 of the KCNQ1 gene. In vitro mini-gene splice assays have shown that this variant causes a complete abrogation of WT splicing, while skipping exon 4 or introducing a pseudoexon in the majority of transcripts (PMID: 36197721, doi:10.4081/cardiogenetics.2012.e6). This variant has been reported in at lest six individuals affected with long QT syndrome (PMID: 19841300, 23631430, 26318259, 26669661, 28438721, 29740400). This variant has also been reported in compound heterozygosity with a pathogenic variant in individuals affected with severe phenotype (doi:10.4081/cardiogenetics.2012.e6) or with autosomal recessive Jervell and Lange-Nielsen syndrome (PMID: 27917693). This variant has also been identified in 4/271744 chromosomes in the general population by the Genome Aggregation Database (gnomAD). Based on the available evidence, this variant is classified as Likely Pathogenic.

This study involves interpretation of variants in research participants for the purpose of population health screening. Participant phenotype was not available at the time of variant classification. Additional details can be found in publication PMID: 35346344, PMCID: PMC8962531

Fulgent Genetics
Classification: Likely pathogenic for Long QT syndrome 1; Jervell and Lange-Nielsen syndrome 1; Atrial fibrillation, familial, 3; Short QT syndrome type 2. Last evaluated: 2024-04-02. Review status: criteria provided, single submitter. Criteria: ACMG Guidelines, 2015. Collection method: clinical testing. Allele origin: germline.

Baylor Genetics
Classification: Pathogenic for Long QT syndrome 1. Last evaluated: 2023-09-08. Review status: criteria provided, single submitter. Criteria: ACMG Guidelines, 2015. Collection method: clinical testing. Allele origin: unknown.

Molecular Genetics Laboratory - Cardiogenetics, CHU de Nantes
Classification: Pathogenic for Long QT syndrome 1. Last evaluated: 2023-08-01. Review status: criteria provided, single submitter. Criteria: ACMG Guidelines, 2015. Collection method: clinical testing. Allele origin: germline. Affected: yes.

Institute of Human Genetics, University of Leipzig Medical Center
Classification: Pathogenic for Long QT syndrome 1. Last evaluated: 2022-11-10. Review status: criteria provided, single submitter. Criteria: ACMG Guidelines, 2015. Collection method: clinical testing. Allele origin: unknown. Inheritance: Autosomal dominant inheritance. Affected: yes.
Comment: Criteria applied: PS3,PS4,PP3

Roden Lab, Vanderbilt University Medical Center
Classification: Likely pathogenic for Long QT syndrome 1. Last evaluated: 2022-10-05. Review status: criteria provided, single submitter. Criteria: ACMG Guidelines, 2015. Collection method: research, in vitro. Allele origin: unknown, not applicable. Functional consequence: sequence_variant_affecting_splicing.
Comment: The KCNQ1 c.683+5G>A variant was observed in 3 cases of LQTS and was observed rarely in population databases (PMID: 32893267). A minigene assay provided experimental support for this prediction. Collectively, this evidence allows the classification of this variant as Likely Pathogenic.

Blueprint Genetics
Classification: Uncertain significance. Last evaluated: 2020-01-20. Review status: criteria provided, single submitter. Criteria: ACMG Guidelines, 2015. Collection method: clinical testing. Allele origin: germline.

Juno Genomics, Hangzhou Juno Genomics, Inc
Classification: Likely pathogenic for Long QT syndrome 1. Review status: criteria provided, single submitter. Criteria: ACMG Guidelines, 2015. Collection method: clinical testing. Allele origin: germline.
Comment: Absent from controls (or at extremely low frequency if recessive) in Genome Aggregation Database.;The prevalence of the variant in affected individuals is significantly increased compared to the prevalence in controls.;For recessive disorders, detected in trans with a pathogenic variant.;Patient's phenotype or family history is highly specific for a disease with a single genetic etiology.;Co-segregation with disease in multiple affected family members.

Literature cited by the submitters: PubMed 19841300 (cited by 5 submitters); PubMed 23631430 (cited by 5 submitters); PubMed 22456477 (cited by Women's Health and Genetics/Laboratory Corporation of America, LabCorp); PubMed 19862833 (cited by Women's Health and Genetics/Laboratory Corporation of America, LabCorp); PubMed 26318259 (cited by 3 submitters); PubMed 17470695 (cited by 3 submitters); PubMed 26669661 (cited by 3 submitters); PubMed 28438721 (cited by 5 submitters); PubMed 29622001 (cited by Women's Health and Genetics/Laboratory Corporation of America, LabCorp and Labcorp Genetics (formerly Invitae), Labcorp); PubMed 29740400 (cited by 3 submitters); PubMed 27917693 (cited by 5 submitters); PubMed 38825991 (cited by Women's Health and Genetics/Laboratory Corporation of America, LabCorp); PubMed 36197721 (cited by 5 submitters); PubMed 25525159 (cited by Ambry Genetics); PubMed 17576681 (cited by Labcorp Genetics (formerly Invitae), Labcorp); PubMed 9536098 (cited by Labcorp Genetics (formerly Invitae), Labcorp).